The following is an entry in ClinVar:

ClinVar aggregate classification (germline): Uncertain significance (1 of 4 stars; one submission).

Conditions:
Hepatic methionine adenosyltransferase deficiency. Also called: MAT I/III DEFICIENCY; Isolated Persistent Hypermethioninemia; Deficiency of methionine adenosyltransferase; Methionine adenosyltransferase deficiency. Identifiers: Orphanet 168598, MedGen C0268621, MeSH C564683, MONDO:0009607, OMIM 250850.

Allele frequency attached by ClinVar (database versions not stated): ExAC 0.00001.
gnomAD v4.1: 1 of 1,614,196 alleles (0.000062%); highest among the groups gnomAD compares: Admixed American, 0.0017%; no homozygotes.

Submission:

Labcorp Genetics (formerly Invitae), Labcorp
Classification: Uncertain significance for Hepatic methionine adenosyltransferase deficiency. Last evaluated: 2025-10-21. Review status: criteria provided, single submitter. Criteria: Invitae Variant Classification Sherloc (09022015). Collection method: clinical testing. Allele origin: germline.
Comment: This sequence change replaces aspartic acid, which is acidic and polar, with tyrosine, which is neutral and polar, at codon 93 of the MAT1A protein (p.Asp93Tyr). This variant is present in population databases (rs762357538, gnomAD 0.003%). This variant has not been reported in the literature in individuals affected with MAT1A-related conditions. ClinVar contains an entry for this variant (Variation ID: 576970). Invitae Evidence Modeling of protein sequence and biophysical properties (such as structural, functional, and spatial information, amino acid conservation, physicochemical variation, residue mobility, and thermodynamic stability) indicates that this missense variant is expected to disrupt MAT1A protein function with a positive predictive value of 80%. In summary, the available evidence is currently insufficient to determine the role of this variant in disease. Therefore, it has been classified as a Variant of Uncertain Significance.

NM_000429.3(MAT1A):c.277G>T (p.Asp93Tyr)

Gene: MAT1A (methionine adenosyltransferase 1A; minus strand). Cytogenetic location: 10q22.3.
Variant type: single nucleotide variant.
Coding change: c.277G>T on transcript NM_000429.3 (MANE Select); coding-DNA position 277, G replaced by T.
Protein change: p.Asp93Tyr; replaces aspartic acid 93 with tyrosine.
Molecular consequence: missense variant.
Genome position (GRCh38, 1-based): chr10:80,283,931, C>A on the plus strand (G>T on the coding strand, the complement: MAT1A is on the minus strand). VCF-style: chr10-80283931-C-A. GRCh37 (hg19) VCF-style: chr10-82043687-C-A.
Other names: short protein forms D93Y.
Identifiers: ClinVar variation 576970 (VCV000576970.9), dbSNP rs762357538, ClinGen allele CA5576839.